The following is an entry in ClinVar:

ClinVar aggregate classification (germline): Uncertain significance (1 of 4 stars; one submission).

Submission:

Labcorp Genetics (formerly Invitae), Labcorp
Classification: Uncertain significance. Last evaluated: 2022-07-03. Review status: criteria provided, single submitter. Criteria: Invitae Variant Classification Sherloc (09022015). Collection method: clinical testing. Allele origin: germline.
Comment: In summary, the available evidence is currently insufficient to determine the role of this variant in disease. Therefore, it has been classified as a Variant of Uncertain Significance. Algorithms developed to predict the effect of missense changes on protein structure and function (SIFT, PolyPhen-2, Align-GVGD) all suggest that this variant is likely to be disruptive. This variant has not been reported in the literature in individuals affected with C15orf41-related conditions. This variant is not present in population databases (gnomAD no frequency). This sequence change replaces arginine, which is basic and polar, with proline, which is neutral and non-polar, at codon 187 of the C15orf41 protein (p.Arg187Pro).

NM_001321759.2(CDIN1):c.560G>C (p.Arg187Pro)

Gene: CDIN1 (CDAN1 interacting nuclease 1; plus strand). Cytogenetic location: 15q14.
Variant type: single nucleotide variant.
Coding change: c.560G>C on transcript NM_001321759.2 (MANE Select); coding-DNA position 560, G replaced by C.
Protein change: p.Arg187Pro; replaces arginine 187 with proline.
Molecular consequence: missense variant.
Genome position (GRCh38, 1-based): chr15:36,709,238, G>C. VCF-style: chr15-36709238-G-C. GRCh37 (hg19) VCF-style: chr15-37001439-G-C.
Other names: c.560G>C, p.Arg187Pro (NM_001130010.3, NM_001290233.2, NM_001321760.2 and 1 more transcripts); c.266G>C, p.Arg89Pro (NM_001290232.2, NM_001321756.2, NM_032499.6); c.191G>C, p.Arg64Pro (NM_001321757.2); c.449G>C, p.Arg150Pro (NM_001321758.2); short protein forms R150P, R64P, R187P, R89P.
Identifiers: ClinVar variation 1962142 (VCV001962142.5), dbSNP rs1333441023, ClinGen allele CA391924541.
Genomic context (GRCh38, chr15:36,709,238, plus strand): 5'-TAATTGAATAGTGTTTTAAGTAAATAGTGTTTGTTCTTCCTGTAGATGAAGATCAGCTTC[G>C]TGCAAAGGGTTATGACAAAACACCAGACTTCATTTTACAAGTACCAGTTGGTAAGTTCTT-3'
Protein context (NP_001308688.1, residues 177-197): NLSFLDEDQL[Arg187Pro]AKGYDKTPDF